The following is an entry in ClinVar:

NM_130837.3(OPA1):c.37G>A (p.Val13Ile)

Gene: OPA1 (OPA1 mitochondrial dynamin like GTPase; plus strand). Cytogenetic location: 3q29.
Variant type: single nucleotide variant.
Coding change: c.37G>A on transcript NM_130837.3 (MANE Select); coding-DNA position 37, G replaced by A.
Protein change: p.Val13Ile; replaces valine 13 with isoleucine.
Molecular consequence: missense variant. On other transcripts: 5 prime UTR variant (2).
Genome position (GRCh38, 1-based): chr3:193,614,727, G>A. VCF-style: chr3-193614727-G-A. GRCh37 (hg19) VCF-style: chr3-193332516-G-A.
Other names: c.-336G>A (NM_001354663.2, NM_001354664.2); c.37G>A, p.Val13Ile (NM_015560.3, NM_130831.3, NM_130832.3 and 4 more transcripts); short protein forms V13I.
Identifiers: ClinVar variation 2310697 (VCV002310697.5), dbSNP rs373753869, ClinGen allele CA2758928.

ClinVar aggregate classification (germline): Uncertain significance. Review status: criteria provided, multiple submitters, no conflicts (2 of 4 stars). 2 submissions from 2 submitters: Uncertain significance (2). Last evaluated 2024-11-19.

Conditions:
Inborn genetic diseases. Identifiers: MedGen C0950123, MeSH D030342.

Allele frequency attached by ClinVar (database versions not stated): ExAC 0.00001; TOPMed 0.00001; gnomAD 0.00002; ESP Exome Variant Server 0.00008.
gnomAD v4.1: 10 of 1,611,738 alleles (0.00062%); highest among the groups gnomAD compares: Non-Finnish European, 0.00085%; no homozygotes.

Submissions (2):

Labcorp Genetics (formerly Invitae), Labcorp
Classification: Uncertain significance. Last evaluated: 2024-11-19. Review status: criteria provided, single submitter. Criteria: Invitae Variant Classification Sherloc (09022015). Collection method: clinical testing. Allele origin: germline.
Comment: This sequence change replaces valine, which is neutral and non-polar, with isoleucine, which is neutral and non-polar, at codon 13 of the OPA1 protein (p.Val13Ile). This variant is present in population databases (rs373753869, gnomAD 0.003%). This variant has not been reported in the literature in individuals affected with OPA1-related conditions. ClinVar contains an entry for this variant (Variation ID: 2310697). Invitae Evidence Modeling of protein sequence and biophysical properties (such as structural, functional, and spatial information, amino acid conservation, physicochemical variation, residue mobility, and thermodynamic stability) indicates that this missense variant is not expected to disrupt OPA1 protein function with a negative predictive value of 95%. In summary, the available evidence is currently insufficient to determine the role of this variant in disease. Therefore, it has been classified as a Variant of Uncertain Significance.

Ambry Genetics
Classification: Uncertain significance for Inborn genetic diseases. Last evaluated: 2022-09-06. Review status: criteria provided, single submitter. Criteria: Ambry Variant Classification Scheme 2023. Collection method: clinical testing. Allele origin: germline.